The following is an entry in ClinVar:

ClinVar aggregate classification (germline): Uncertain significance. Review status: criteria provided, multiple submitters, no conflicts (2 of 4 stars). 2 submissions from 2 submitters: Uncertain significance (2). Last evaluated 2024-03-07.

Conditions:
Inborn genetic diseases. Identifiers: MedGen C0950123, MeSH D030342.
Myopathy, proximal, and ophthalmoplegia (CMYO6). Also called: INCLUSION BODY MYOPATHY 3, AUTOSOMAL DOMINANT; CONGENITAL MYOPATHY 6 WITH OPHTHALMOPLEGIA; MYOPATHY WITH CONGENITAL JOINT CONTRACTURES, OPHTHALMOPLEGIA, AND RIMMED VACUOLES. Identifiers: Orphanet 363677, Orphanet 79091, MedGen C1854106, MONDO:0011577, OMIM 605637.

Allele frequency attached by ClinVar (database versions not stated): TOPMed below 0.00001; gnomAD 0.00001.
gnomAD v4.1: 7 of 1,614,068 alleles (0.00043%); highest among the groups gnomAD compares: Non-Finnish European, 0.00059%; no homozygotes.

Submissions (2):

Ambry Genetics
Classification: Uncertain significance for Inborn genetic diseases. Last evaluated: 2024-03-07. Review status: criteria provided, single submitter. Criteria: Ambry Variant Classification Scheme 2023. Collection method: clinical testing. Allele origin: germline.

Labcorp Genetics (formerly Invitae), Labcorp
Classification: Uncertain significance for Myopathy, proximal, and ophthalmoplegia. Last evaluated: 2022-02-28. Review status: criteria provided, single submitter. Criteria: Invitae Variant Classification Sherloc (09022015). Collection method: clinical testing. Allele origin: germline.
Comment: In summary, the available evidence is currently insufficient to determine the role of this variant in disease. Therefore, it has been classified as a Variant of Uncertain Significance. Algorithms developed to predict the effect of missense changes on protein structure and function are either unavailable or do not agree on the potential impact of this missense change (SIFT: "Deleterious"; PolyPhen-2: "Possibly Damaging"; Align-GVGD: "Class C0"). This variant has not been reported in the literature in individuals affected with MYH2-related conditions. This variant is not present in population databases (gnomAD no frequency). This sequence change replaces aspartic acid, which is acidic and polar, with asparagine, which is neutral and polar, at codon 892 of the MYH2 protein (p.Asp892Asn).

NM_017534.6(MYH2):c.2674G>A (p.Asp892Asn)

Genes: MYH2 (myosin heavy chain 2; minus strand), MYHAS (myosin heavy chain gene cluster antisense RNA; plus strand). Cytogenetic location: 17p13.1.
Variant type: single nucleotide variant.
Coding change: c.2674G>A on transcript NM_017534.6 (MANE Select); coding-DNA position 2674, G replaced by A.
Protein change: p.Asp892Asn; replaces aspartic acid 892 with asparagine.
Molecular consequence: missense variant.
Genome position (GRCh38, 1-based): chr17:10,531,656, C>T on the plus strand (G>A on the coding strand, the complement: MYH2 is on the minus strand). VCF-style: chr17-10531656-C-T. GRCh37 (hg19) VCF-style: chr17-10434973-C-T.
Other names: c.2674G>A, p.Asp892Asn (NM_001100112.2); c.2674G>A (NM_017534.5); short protein forms D892N.
Identifiers: ClinVar variation 2195413 (VCV002195413.5), dbSNP rs1256421951, ClinGen allele CA398144778.